The following is an entry in ClinVar:

NM_001267550.2(TTN):c.55808dup (p.Lys18604fs)

Genes: TTN (titin; minus strand), TTN-AS1 (TTN antisense RNA 1; plus strand). Cytogenetic location: 2q31.2.
Variant type: Duplication.
Coding change: c.55808dup on transcript NM_001267550.2 (MANE Select); coding-DNA position 55808, one base duplicated (C; older notation c.55808dupC).
Protein change: p.Lys18604fs; shifts the reading frame from lysine 18604.
Molecular consequence: frameshift variant.
Genome position (GRCh38, 1-based): chr2:178,601,096, G duplicated on the plus strand (C on the coding strand, the reverse complement: TTN is on the minus strand); the first of 5 consecutive G bases (chr2:178,601,096-178,601,100); duplicating any one gives the same sequence. VCF-style (leftmost placement, unchanged base first): chr2-178601095-C-CG. GRCh37 (hg19) VCF-style: chr2-179465822-C-CG.
Other names: c.50885dup, p.Lys16963fs (NM_001256850.1); c.28613dup, p.Lys9539fs (NM_003319.4); c.48104dup, p.Lys16036fs (NM_133378.4); c.28988dup, p.Lys9664fs (NM_133432.3); c.29189dup, p.Lys9731fs (NM_133437.4); short protein forms K18604fs, K9539fs, K16036fs, K16963fs, K9664fs, K9731fs.
Identifiers: ClinVar variation 2121866 (VCV002121866.4), dbSNP rs35647804, ClinGen allele CA1993377.
Genomic context (GRCh38, chr2:178,601,095, plus strand): 5'-AGGGTCCCATGCAAGGCACTCAACAATATAGTGGGTAACAGGGGAGCCCCCATCATTCTT[C>CG]GGGGGTTTCCATGACAGATGCACTGTGTTCTTTGTGATGAGGCCAATCTTGAGTTTAATA-3'

ClinVar aggregate classification (germline): Likely pathogenic (1 of 4 stars; one submission).

Conditions:
Autosomal recessive limb-girdle muscular dystrophy type 2J (LGMDR10). Also called: Limb-girdle muscular dystrophy, type 2J; MUSCULAR DYSTROPHY, LIMB-GIRDLE, AUTOSOMAL RECESSIVE 10. Identifiers: Orphanet 140922, MedGen C1837342, MONDO:0012127, OMIM 608807.
Dilated cardiomyopathy 1G (CMD1G). Identifiers: Orphanet 154, MedGen C1858763, MONDO:0011400, OMIM 604145.

Submission:

Labcorp Genetics (formerly Invitae), Labcorp
Classification: Likely pathogenic for Dilated cardiomyopathy 1G; Autosomal recessive limb-girdle muscular dystrophy type 2J. Last evaluated: 2022-04-05. Review status: criteria provided, single submitter. Criteria: Invitae Variant Classification Sherloc (09022015). Collection method: clinical testing. Allele origin: germline.
Comment: This variant is located in the A band of TTN (PMID: 25589632). Truncating variants in this region are significantly overrepresented in patients affected with dilated cardiomyopathy (PMID: 25589632). Truncating variants in this region have also been reported in individuals affected with autosomal recessive centronuclear myopathy (PMID: 23975875). This variant has not been reported in the literature in individuals affected with TTN-related conditions. This variant is present in population databases (rs776012806, gnomAD no frequency). This sequence change creates a premature translational stop signal (p.Lys18604Glufs*3) in the TTN gene. While this is not anticipated to result in nonsense mediated decay, it is expected to create a truncated TTN protein. In summary, the currently available evidence indicates that the variant is pathogenic, but additional data are needed to prove that conclusively. Therefore, this variant has been classified as Likely Pathogenic.

Literature cited by the submitters: PubMed 25589632; PubMed 23975875.